The following is an entry in ClinVar:

NM_001035.3(RYR2):c.2663A>G (p.Asn888Ser)

Gene: RYR2 (ryanodine receptor 2; plus strand). Cytogenetic location: 1q43.
Variant type: single nucleotide variant.
Coding change: c.2663A>G on transcript NM_001035.3 (MANE Select); coding-DNA position 2663, A replaced by G.
Protein change: p.Asn888Ser; replaces asparagine 888 with serine.
Molecular consequence: missense variant.
Genome position (GRCh38, 1-based): chr1:237,506,759, A>G. VCF-style: chr1-237506759-A-G. GRCh37 (hg19) VCF-style: chr1-237670059-A-G.
Other names: short protein forms N888S.
Identifiers: ClinVar variation 943392 (VCV000943392.17), dbSNP rs1289969599, ClinGen allele CA345381140.

ClinVar aggregate classification (germline): Uncertain significance. Review status: criteria provided, multiple submitters, no conflicts (2 of 4 stars). 5 submissions from 5 submitters: Uncertain significance (5). Last evaluated 2024-10-10.

Conditions:
Catecholaminergic polymorphic ventricular tachycardia 1. Also called: VENTRICULAR TACHYCARDIA, STRESS-INDUCED POLYMORPHIC 1; VENTRICULAR TACHYCARDIA, CATECHOLAMINERGIC POLYMORPHIC, 1, WITH OR WITHOUT ATRIAL DYSFUNCTION AND/OR DILATED CARDIOMYOPATHY; RYR2-Related Catecholaminergic Polymorphic Ventricular Tachycardia. Identifiers: Orphanet 3286, MedGen C1631597, MONDO:0011484, OMIM 604772.
Cardiovascular phenotype. Identifiers: MedGen CN230736.
Catecholaminergic polymorphic ventricular tachycardia (CVPT). Also called: Catecholamine-induced polymorphic ventricular tachycardia. Identifiers: Orphanet 3286, MedGen C5574922, MONDO:0017990.
Cardiomyopathy (CMYO). Also called: Cardiomyopathies. Identifiers: Orphanet 167848, MedGen C0878544, MONDO:0004994, HP:0001638. Inheritance: Various modes of inheritance.

Allele frequency attached by ClinVar (database versions not stated): TOPMed below 0.00001; gnomAD 0.00001; gnomAD exomes 0.00001 and 0.00002.
gnomAD v4.1: 14 of 1,613,730 alleles (0.00087%); highest among the groups gnomAD compares: Admixed American, 0.01%; no homozygotes.

Submissions (5):

Labcorp Genetics (formerly Invitae), Labcorp
Classification: Uncertain significance for Catecholaminergic polymorphic ventricular tachycardia 1. Last evaluated: 2024-10-10. Review status: criteria provided, single submitter. Criteria: Invitae Variant Classification Sherloc (09022015). Collection method: clinical testing. Allele origin: germline.
Comment: This sequence change replaces asparagine, which is neutral and polar, with serine, which is neutral and polar, at codon 888 of the RYR2 protein (p.Asn888Ser). This variant is present in population databases (no rsID available, gnomAD 0.01%). This variant has not been reported in the literature in individuals affected with RYR2-related conditions. ClinVar contains an entry for this variant (Variation ID: 943392). Invitae Evidence Modeling of protein sequence and biophysical properties (such as structural, functional, and spatial information, amino acid conservation, physicochemical variation, residue mobility, and thermodynamic stability) indicates that this missense variant is expected to disrupt RYR2 protein function with a positive predictive value of 95%. In summary, the available evidence is currently insufficient to determine the role of this variant in disease. Therefore, it has been classified as a Variant of Uncertain Significance.

Blueprint Genetics
Classification: Uncertain significance. Last evaluated: 2024-05-15. Review status: criteria provided, single submitter. Criteria: ACMG Guidelines, 2015. Collection method: clinical testing. Allele origin: germline.

Color Diagnostics, LLC DBA Color Health
Classification: Uncertain significance for Cardiomyopathy. Last evaluated: 2024-03-06. Review status: criteria provided, single submitter. Criteria: ACMG Guidelines, 2015. Collection method: clinical testing. Allele origin: germline.
Comment: This missense variant replaces asparagine with serine at codon 888 of the RYR2 protein. Computational prediction suggests that this variant may have deleterious impact on protein structure and function (internally defined REVEL score threshold >= 0.7, PMID: 27666373). To our knowledge, functional studies have not been reported for this variant. This variant has not been reported in individuals affected with cardiovascular disorders in the literature. This variant has been identified in 4/249098 chromosomes in the general population by the Genome Aggregation Database (gnomAD). The available evidence is insufficient to determine the role of this variant in disease conclusively. Therefore, this variant is classified as a Variant of Uncertain Significance.

All of Us Research Program, National Institutes of Health
Classification: Uncertain significance for Catecholaminergic polymorphic ventricular tachycardia. Last evaluated: 2023-12-13. Review status: criteria provided, single submitter. Criteria: ACMG Guidelines, 2015. Collection method: clinical testing. Allele origin: germline. Inheritance: Autosomal dominant inheritance. Observed: 3 variant alleles, 3 heterozygotes.
Comment: This missense variant replaces asparagine with serine at codon 888 of the RYR2 protein. Computational prediction suggests that this variant may have deleterious impact on protein structure and function (internally defined REVEL score threshold >= 0.7, PMID: 27666373). To our knowledge, functional studies have not been reported for this variant. This variant has not been reported in individuals affected with cardiovascular disorders in the literature. This variant has been identified in 4/249098 chromosomes in the general population by the Genome Aggregation Database (gnomAD). The available evidence is insufficient to determine the role of this variant in disease conclusively. Therefore, this variant is classified as a Variant of Uncertain Significance.

This study involves interpretation of variants in research participants for the purpose of population health screening. Participant phenotype was not available at the time of variant classification. Additional details can be found in publication PMID: 35346344, PMCID: PMC8962531

Ambry Genetics
Classification: Uncertain significance for Cardiovascular phenotype. Last evaluated: 2020-09-08. Review status: criteria provided, single submitter. Criteria: Ambry Variant Classification Scheme 2023. Collection method: clinical testing. Allele origin: germline.
Comment: The p.N888S variant (also known as c.2663A>G), located in coding exon 23 of the RYR2 gene, results from an A to G substitution at nucleotide position 2663. The asparagine at codon 888 is replaced by serine, an amino acid with highly similar properties. This amino acid position is highly conserved in available vertebrate species. In addition, the in silico prediction for this alteration is inconclusive. Since supporting evidence is limited at this time, the clinical significance of this alteration remains unclear.